The following is an entry in ClinVar:

NM_033380.3(COL4A5):c.2244G>A (p.Lys748=)

Gene: COL4A5 (collagen type IV alpha 5 chain; plus strand). Cytogenetic location: Xq22.3.
Variant type: single nucleotide variant.
Coding change: c.2244G>A on transcript NM_033380.3 (MANE Select); coding-DNA position 2244, G replaced by A.
Protein change: p.Lys748=; no amino-acid change (lysine 748 retained).
Molecular consequence: synonymous variant.
Genome position (GRCh38, 1-based): chrX:108,603,061, G>A. VCF-style: chrX-108603061-G-A. GRCh37 (hg19) VCF-style: chrX-107846291-G-A.
Other names: c.2244G>A, p.Lys748= (NM_000495.5).
Identifiers: ClinVar variation 3597921 (VCV003597921.3).

ClinVar aggregate classification (germline): Conflicting classifications of pathogenicity. Review status: criteria provided, conflicting classifications (1 of 4 stars). 2 submissions from 2 submitters: Likely pathogenic (1); Uncertain significance (1). Last evaluated 2025-07-21.

Conditions:
X-linked Alport syndrome (ATS1). Also called: COL4A5-Related Nephropathy; NEPHROPATHY AND DEAFNESS, X-LINKED. Identifiers: Orphanet 63, Orphanet 88917, MedGen C4746986, MONDO:0010520, OMIM 301050.

gnomAD v4.1: 5 of 1,127,669 alleles (0.00044%); highest among the groups gnomAD compares: Admixed American, 0.0023%; no homozygotes.

Submissions (2):

Labcorp Genetics (formerly Invitae), Labcorp
Classification: Uncertain significance. Last evaluated: 2025-07-21. Review status: criteria provided, single submitter. Criteria: Invitae Variant Classification Sherloc (09022015). Collection method: clinical testing. Allele origin: germline.
Comment: This sequence change affects codon 748 of the COL4A5 mRNA. It is a 'silent' change, meaning that it does not change the encoded amino acid sequence of the COL4A5 protein. This variant also falls at the last nucleotide of exon 28, which is part of the consensus splice site for this exon. This variant is not present in population databases (gnomAD no frequency). This variant has not been reported in the literature in individuals affected with COL4A5-related conditions. ClinVar contains an entry for this variant (Variation ID: 3597921). Variants that disrupt the consensus splice site are a relatively common cause of aberrant splicing (PMID: 17576681, 9536098). Algorithms developed to predict the effect of sequence changes on RNA splicing suggest that this variant may disrupt the consensus splice site. In summary, the available evidence is currently insufficient to determine the role of this variant in disease. Therefore, it has been classified as a Variant of Uncertain Significance.

Fulgent Genetics
Classification: Likely pathogenic for X-linked Alport syndrome. Last evaluated: 2024-05-03. Review status: criteria provided, single submitter. Criteria: ACMG Guidelines, 2015. Collection method: clinical testing. Allele origin: germline.

Literature cited by the submitters: PubMed 17576681 (cited by Labcorp Genetics (formerly Invitae), Labcorp); PubMed 9536098 (cited by Labcorp Genetics (formerly Invitae), Labcorp).